The following is an entry in ClinVar:

ClinVar aggregate classification (germline): Pathogenic/Likely pathogenic. Review status: criteria provided, multiple submitters, no conflicts (2 of 4 stars). 7 submissions from 7 submitters: Pathogenic (4); Likely pathogenic (2). 1 of the submissions does not count toward it. Last evaluated 2026-04-06.

Conditions:
PTS-related disorder. Also called: PTS-related condition.
6-Pyruvoyl-tetrahydrobiopterin synthase deficiency. Also called: 6-Pyruvoyltetrahydropterin Synthase Deficiency; PTS-Related Tetrahydrobiopterin Deficiency; HYPERPHENYLALANINEMIA, TETRAHYDROBIOPTERIN-DEFICIENT, DUE TO PTS DEFICIENCY; BH4-deficient hyperphenylalaninemia A; Hyperphenylalanemia, BH4-deficient, A; Hyperphenylalaninemia due to 6-pyruvoyl-tetrahydropterin synthase deficiency. Identifiers: Orphanet 13, Orphanet 238583, MedGen C0878676, MONDO:0009863, OMIM 261640.

Allele frequency attached by ClinVar (database versions not stated): gnomAD 0.00003; gnomAD exomes 0.00003; TOPMed 0.00005.
gnomAD v4.1: 11 of 431,748 alleles (0.0025%); highest among the groups gnomAD compares: East Asian, 0.048%; no homozygotes.

Submissions (7):

GeneDx
Classification: Pathogenic. Last evaluated: 2026-04-06. Review status: criteria provided, single submitter. Criteria: GeneDx Variant Classification Process June 2021. Collection method: clinical testing. Allele origin: germline.
Comment: RNA studies demonstrate a damaging effect on splicing (PMID: 36212127); This variant is associated with the following publications: (PMID: 19350512, 29499199, 30926181, 32202960, 34426522, 35193651, 35095998, 36755623, 36787440, 36246604, 38105685, 38311548, 34674428, 36212127, 37636258, 22237589, 23138986)

Labcorp Genetics (formerly Invitae), Labcorp
Classification: Pathogenic for 6-Pyruvoyl-tetrahydrobiopterin synthase deficiency. Last evaluated: 2026-01-21. Review status: criteria provided, single submitter. Criteria: Invitae Variant Classification Sherloc (09022015). Collection method: clinical testing. Allele origin: germline.
Comment: This sequence change falls in intron 1 of the PTS gene. It does not directly change the encoded amino acid sequence of the PTS protein. This variant is present in population databases (no rsID available, gnomAD 0.1%). This variant has been observed in individual(s) with biopterin deficient hyperphenylalanemia (PMID: 19350512, 22237589, 23138986). It has also been observed to segregate with disease in related individuals. ClinVar contains an entry for this variant (Variation ID: 649292). Algorithms developed to predict the effect of sequence changes on RNA splicing suggest that this variant may create or strengthen a splice site. For these reasons, this variant has been classified as Pathogenic.

Natera, Inc.
Classification: Likely pathogenic for 6-Pyruvoyl-tetrahydrobiopterin synthase deficiency. Last evaluated: 2026-01-04. Review status: criteria provided, single submitter. Criteria: Natera Variant Classification Schema (03/2026). Collection method: clinical testing. Allele origin: germline.
Comment: The c.84-291A>G variant in PTS is an intronic variant located outside the canonical splice sites. This variant has been observed in one or more individuals affected with the associated recessive disease, as either homozygous or compound heterozygous with a second variant (PMID: 23138986). Functional studies show that this variant may disrupt protein function (PMID: 36212127). Given the available evidence, this variant is classified as Likely Pathogenic.

Fulgent Genetics
Classification: Pathogenic for 6-Pyruvoyl-tetrahydrobiopterin synthase deficiency. Last evaluated: 2024-05-19. Review status: criteria provided, single submitter. Criteria: ACMG Guidelines, 2015. Collection method: clinical testing. Allele origin: germline.

Genome-Nilou Lab
Classification: Likely pathogenic for 6-Pyruvoyl-tetrahydrobiopterin synthase deficiency. Last evaluated: 2021-09-05. Review status: criteria provided, single submitter. Criteria: ACMG Guidelines, 2015. Collection method: clinical testing. Allele origin: germline. Affected: no.

Juno Genomics, Hangzhou Juno Genomics, Inc
Classification: Pathogenic for 6-Pyruvoyl-tetrahydrobiopterin synthase deficiency. Review status: criteria provided, single submitter. Criteria: ACMG Guidelines, 2015. Collection method: clinical testing. Allele origin: germline. Affected: yes.
Comment: Absent from controls (or at extremely low frequency if recessive) in Genome Aggregation Database, Exome Sequencing Project, 1000 Genomes Project, or Exome Aggregation Consortium.;Well-established in vitro or in vivo functional studies supportive of a damaging effect on the gene or gene product.;For recessive disorders, detected in trans with a pathogenic variant.

PreventionGenetics, part of Exact Sciences
Classification: Pathogenic for PTS-related condition. Last evaluated: 2023-11-20. Review status: no assertion criteria provided. Collection method: clinical testing. Allele origin: germline. Not counted in ClinVar's aggregate classification.
Comment: The PTS c.84-291A>G variant is predicted to interfere with splicing. This variant has been reported with a second PTS variant in individuals with tetrahydrobiopterin deficiency (see, for example, Chiu et al. 2012. PubMed ID: 22237589; Li et al. 2022. PubMed ID: 36212127; Huang et al. 2022. PubMed ID: 35193651), and has been noted to be common in the Han Chinese population (Chiu et al. 2012. PubMed ID: 22237589; Wang R et al 2018. PubMed ID: 29499199). RT-PCR studies suggest this variant impacts mRNA splicing (Chiu et al. 2012. PubMed ID: 22237589; Li et al. 2022. PubMed ID: 36212127). This variant is reported in 0.13% of alleles in individuals of East Asian descent in gnomAD (2 of 1560 alleles, see gnomAD). This variant is interpreted as pathogenic.

Literature cited by the submitters: PubMed 19350512 (cited by Labcorp Genetics (formerly Invitae), Labcorp); PubMed 22237589 (cited by Labcorp Genetics (formerly Invitae), Labcorp); PubMed 23138986 (cited by Labcorp Genetics (formerly Invitae), Labcorp and Natera, Inc.); PubMed 36212127 (cited by Natera, Inc.).

NM_000317.3(PTS):c.84-291A>G

Gene: PTS (6-pyruvoyltetrahydropterin synthase; plus strand). Cytogenetic location: 11q23.1.
Variant type: single nucleotide variant.
Coding change: c.84-291A>G on transcript NM_000317.3 (MANE Select); 291 bases into the intron before coding-DNA position 84, A replaced by G.
Molecular consequence: intron variant.
Genome position (GRCh38, 1-based): chr11:112,228,303, A>G. VCF-style: chr11-112228303-A-G. GRCh37 (hg19) VCF-style: chr11-112099026-A-G.
Identifiers: ClinVar variation 649292 (VCV000649292.24), dbSNP rs1480995114, ClinGen allele CA601757505.
Genomic context (GRCh38, chr11:112,228,303, plus strand): 5'-CTGTTATTTCATTCAGCACTTGCCTGTTACATTGTAGGCACTCAGTAATGTTGAATTGAA[A>G]AGTGGAAGGCCCATGAGCAGATCAGTTGCTGTGGAACAAGGGGGTTGAAGTTAAGGTTTG-3'